The following is an entry in ClinVar:

NM_001122769.3(LCA5):c.1366G>A (p.Gly456Arg)

Gene: LCA5 (lebercilin LCA5; minus strand). Cytogenetic location: 6q14.1.
Variant type: single nucleotide variant.
Coding change: c.1366G>A on transcript NM_001122769.3 (MANE Select); coding-DNA position 1366, G replaced by A.
Protein change: p.Gly456Arg; replaces glycine 456 with arginine.
Molecular consequence: missense variant.
Genome position (GRCh38, 1-based): chr6:79,487,732, C>T on the plus strand (G>A on the coding strand, the complement: LCA5 is on the minus strand). VCF-style: chr6-79487732-C-T. GRCh37 (hg19) VCF-style: chr6-80197449-C-T.
Other names: c.1366G>A, p.Gly456Arg (NM_181714.4); short protein forms G456R.
Identifiers: ClinVar variation 968001 (VCV000968001.7), dbSNP rs149091694, ClinGen allele CA3900836.

ClinVar aggregate classification (germline): Uncertain significance. Review status: criteria provided, multiple submitters, no conflicts (2 of 4 stars). 3 submissions from 3 submitters: Uncertain significance (2). 1 of the submissions does not count toward it. Last evaluated 2026-08-03.

Conditions:
Leber congenital amaurosis 5 (LCA5). Also called: Amaurosis congenita of Leber, type 5. Identifiers: Orphanet 65, MedGen C1858301, MONDO:0011473, OMIM 604537.
LCA5-related disorder. Also called: LCA5-related condition.

Allele frequency attached by ClinVar (database versions not stated): ExAC 0.00002; gnomAD exomes 0.00003 and 0.00004; ESP Exome Variant Server 0.00015; gnomAD 0.00018 and 0.00020; TOPMed 0.00020.
gnomAD v4.1: 72 of 1,613,792 alleles (0.0045%); highest among the groups gnomAD compares: African/African-American, 0.087%; no homozygotes.

Submissions (3):

PreventionGenetics, part of Exact Sciences
Classification: Uncertain significance for LCA5-related condition. Last evaluated: 2026-08-03. Review status: criteria provided, single submitter. Criteria: ACMG Guidelines, 2015. Collection method: clinical testing. Allele origin: germline.
Comment: The LCA5 c.1366G>A variant is predicted to result in the amino acid substitution p.Gly456Arg. This variant was reported in an individual with retinitis pigmentosa; however, no other LCA5 variant was detected, and the individual was also homozygous for a likely pathogenic RPE65 variant (McGowan et al. 2020. PubMed ID: 32579692). This variant is reported in 0.060% of alleles in individuals of African descent in gnomAD. Although we suspect this variant may be benign, at this time, the clinical significance of this variant is uncertain due to the absence of conclusive functional and genetic evidence.

Labcorp Genetics (formerly Invitae), Labcorp
Classification: Uncertain significance. Last evaluated: 2025-01-15. Review status: criteria provided, single submitter. Criteria: Invitae Variant Classification Sherloc (09022015). Collection method: clinical testing. Allele origin: germline.
Comment: This sequence change replaces glycine, which is neutral and non-polar, with arginine, which is basic and polar, at codon 456 of the LCA5 protein (p.Gly456Arg). This variant is present in population databases (rs149091694, gnomAD 0.05%). This missense change has been observed in individual(s) with LCA5-related conditions (PMID: 32579692). ClinVar contains an entry for this variant (Variation ID: 968001). Invitae Evidence Modeling of protein sequence and biophysical properties (such as structural, functional, and spatial information, amino acid conservation, physicochemical variation, residue mobility, and thermodynamic stability) indicates that this missense variant is not expected to disrupt LCA5 protein function with a negative predictive value of 80%. In summary, the available evidence is currently insufficient to determine the role of this variant in disease. Therefore, it has been classified as a Variant of Uncertain Significance.

Natera, Inc.
Classification: Uncertain significance for Leber congenital amaurosis type 5. Last evaluated: 2020-02-12. Review status: no assertion criteria provided. Collection method: clinical testing. Allele origin: germline. Not counted in ClinVar's aggregate classification.

Literature cited by the submitters: PubMed 32579692 (cited by Labcorp Genetics (formerly Invitae), Labcorp).